The following is an entry in ClinVar:

NM_000350.3(ABCA4):c.110T>C (p.Leu37Pro)

Gene: ABCA4 (ATP binding cassette subfamily A member 4; minus strand). Cytogenetic location: 1p22.1.
Variant type: single nucleotide variant.
Coding change: c.110T>C on transcript NM_000350.3 (MANE Select); coding-DNA position 110, T replaced by C.
Protein change: p.Leu37Pro; replaces leucine 37 with proline.
Molecular consequence: missense variant.
Genome position (GRCh38, 1-based): chr1:94,113,023, A>G on the plus strand (T>C on the coding strand, the complement: ABCA4 is on the minus strand). VCF-style: chr1-94113023-A-G. GRCh37 (hg19) VCF-style: chr1-94578579-A-G.
Other names: c.110T>C, p.Leu37Pro (NM_001425324.1); short protein forms L37P.
Identifiers: ClinVar variation 1492703 (VCV001492703.8), dbSNP rs2101166972, ClinGen allele CA341286639.

ClinVar aggregate classification (germline): Uncertain significance (1 of 4 stars; one submission).

Allele frequency attached by ClinVar (database versions not stated): gnomAD exomes below 0.00001.
gnomAD v4.1: 1 of 1,614,198 alleles (0.000062%); highest among the groups gnomAD compares: Non-Finnish European, 0.000085%; no homozygotes.

Submission:

Labcorp Genetics (formerly Invitae), Labcorp
Classification: Uncertain significance. Last evaluated: 2021-04-08. Review status: criteria provided, single submitter. Criteria: Invitae Variant Classification Sherloc (09022015). Collection method: clinical testing. Allele origin: germline.
Comment: This variant has not been reported in the literature in individuals with ABCA4-related conditions. This variant is not present in population databases (ExAC no frequency). This sequence change replaces leucine with proline at codon 37 of the ABCA4 protein (p.Leu37Pro). The leucine residue is highly conserved and there is a moderate physicochemical difference between leucine and proline. Advanced modeling of protein sequence and biophysical properties (such as structural, functional, and spatial information, amino acid conservation, physicochemical variation, residue mobility, and thermodynamic stability) performed at Invitae indicates that this missense variant is expected to disrupt ABCA4 protein function. In summary, the available evidence is currently insufficient to determine the role of this variant in disease. Therefore, it has been classified as a Variant of Uncertain Significance.